The following is an entry in ClinVar:

ClinVar aggregate classification (germline): Uncertain significance (1 of 4 stars; one submission).

Submission:

GeneDx
Classification: Uncertain significance. Last evaluated: 2025-04-17. Review status: criteria provided, single submitter. Criteria: GeneDx Variant Classification Process June 2021. Collection method: clinical testing. Allele origin: germline. Affected: yes.
Comment: Not observed at significant frequency in large population cohorts (gnomAD); In silico analysis supports that this missense variant has a deleterious effect on protein structure/function; Has not been previously published as pathogenic or benign to our knowledge

NM_000540.3(RYR1):c.10633A>T (p.Thr3545Ser)

Gene: RYR1 (ryanodine receptor 1; plus strand). Cytogenetic location: 19q13.2.
Variant type: single nucleotide variant.
Coding change: c.10633A>T on transcript NM_000540.3 (MANE Select); coding-DNA position 10633, A replaced by T.
Protein change: p.Thr3545Ser; replaces threonine 3545 with serine.
Molecular consequence: missense variant.
Genome position (GRCh38, 1-based): chr19:38,526,999, A>T. VCF-style: chr19-38526999-A-T. GRCh37 (hg19) VCF-style: chr19-39017639-A-T.
Other names: c.10618A>T, p.Thr3540Ser (NM_001042723.2); short protein forms T3540S, T3545S.
Identifiers: ClinVar variation 4281852 (VCV004281852.1).